The following is an entry in ClinVar:

ClinVar aggregate classification (germline): Pathogenic. Review status: criteria provided, multiple submitters, no conflicts (2 of 4 stars). 2 submissions from 2 submitters: Pathogenic (2). Last evaluated 2024-02-17.

Conditions:
Deficiency of alpha-mannosidase (MANSA). Also called: LYSOSOMAL ALPHA-D-MANNOSIDASE DEFICIENCY; Mannosidosis, alpha-, types I and II; Alpha-Mannosidosis. Identifiers: Orphanet 61, MedGen C0024748, MONDO:0009561, OMIM 248500.

Allele frequency attached by ClinVar (database versions not stated): gnomAD exomes below 0.00001.

Submissions (2):

Labcorp Genetics (formerly Invitae), Labcorp
Classification: Pathogenic for Deficiency of alpha-mannosidase. Last evaluated: 2024-02-17. Review status: criteria provided, single submitter. Criteria: Invitae Variant Classification Sherloc (09022015). Collection method: clinical testing. Allele origin: germline.
Comment: This sequence change creates a premature translational stop signal (p.Gln130*) in the MAN2B1 gene. It is expected to result in an absent or disrupted protein product. Loss-of-function variants in MAN2B1 are known to be pathogenic (PMID: 9915946, 22161967). The frequency data for this variant in the population databases is considered unreliable, as metrics indicate poor data quality at this position in the gnomAD database. This variant has not been reported in the literature in individuals affected with MAN2B1-related conditions. ClinVar contains an entry for this variant (Variation ID: 836978). For these reasons, this variant has been classified as Pathogenic.

Genome-Nilou Lab
Classification: Pathogenic for Deficiency of alpha-mannosidase. Last evaluated: 2021-09-05. Review status: criteria provided, single submitter. Criteria: ACMG Guidelines, 2015. Collection method: clinical testing. Allele origin: germline. Affected: no.

Literature cited by the submitters: PubMed 9915946 (cited by Labcorp Genetics (formerly Invitae), Labcorp); PubMed 22161967 (cited by Labcorp Genetics (formerly Invitae), Labcorp).

NM_000528.4(MAN2B1):c.388C>T (p.Gln130Ter)

Gene: MAN2B1 (mannosidase alpha class 2B member 1; minus strand). Cytogenetic location: 19p13.13.
Variant type: single nucleotide variant.
Coding change: c.388C>T on transcript NM_000528.4 (MANE Select); coding-DNA position 388, C replaced by T.
Protein change: p.Gln130Ter; replaces glutamine 130 with a stop codon.
Molecular consequence: nonsense.
Genome position (GRCh38, 1-based): chr19:12,665,400, G>A on the plus strand (C>T on the coding strand, the complement: MAN2B1 is on the minus strand). VCF-style: chr19-12665400-G-A. GRCh37 (hg19) VCF-style: chr19-12776214-G-A.
Other names: c.388C>T, p.Gln130Ter (NM_001173498.2); short protein forms Q130*.
Identifiers: ClinVar variation 836978 (VCV000836978.10), dbSNP rs1366682636, ClinGen allele CA404256222.